The following is an entry in ClinVar:

ClinVar aggregate classification (germline): Uncertain significance (1 of 4 stars; one submission).

Conditions:
Legius syndrome. Identifiers: Orphanet 137605, MedGen C1969623, MONDO:0012669, OMIM 611431. Disease mechanism: loss of function.

Submission:

Labcorp Genetics (formerly Invitae), Labcorp
Classification: Uncertain significance for Legius syndrome. Last evaluated: 2020-03-04. Review status: criteria provided, single submitter. Criteria: Invitae Variant Classification Sherloc (09022015). Collection method: clinical testing. Allele origin: germline.
Comment: In summary, the available evidence is currently insufficient to determine the role of this variant in disease. Therefore, it has been classified as a Variant of Uncertain Significance. Nucleotide substitutions within the consensus splice site are a relatively common cause of aberrant splicing (PMID: 17576681, 9536098). Algorithms developed to predict the effect of sequence changes on RNA splicing suggest that this variant may disrupt the consensus splice site, but this prediction has not been confirmed by published transcriptional studies. This variant has been observed in individual(s) affected with clinical features of Legius syndrome (Invitae). This variant is not present in population databases (ExAC no frequency). This sequence change falls in intron 1 of the SPRED1 gene. It does not directly change the encoded amino acid sequence of the SPRED1 protein, but it affects a nucleotide within the consensus splice site of the intron.

Literature cited by the submitters: PubMed 17576681; PubMed 9536098.

NM_152594.3(SPRED1):c.32+3A>T

Gene: SPRED1 (sprouty related EVH1 domain containing 1; plus strand). Cytogenetic location: 15q14.
Variant type: single nucleotide variant.
Coding change: c.32+3A>T on transcript NM_152594.3 (MANE Select); 3 bases into the intron after coding-DNA position 32, A replaced by T.
Molecular consequence: intron variant.
Genome position (GRCh38, 1-based): chr15:38,253,220, A>T. VCF-style: chr15-38253220-A-T. GRCh37 (hg19) VCF-style: chr15-38545421-A-T.
Identifiers: ClinVar variation 1038674 (VCV001038674.9), dbSNP rs1894018882, ClinGen allele CA2170765861.